The following is an entry in ClinVar:

ClinVar aggregate classification (germline): Pathogenic/Likely pathogenic. Review status: criteria provided, multiple submitters, no conflicts (2 of 4 stars). 3 submissions from 3 submitters: Pathogenic (2); Likely pathogenic (1). Last evaluated 2024-06-26.

Conditions:
Cardiovascular phenotype. Identifiers: MedGen CN230736.
Hereditary cancer-predisposing syndrome. Also called: Tumor predisposition; Hereditary neoplastic syndrome; Neoplastic Syndromes, Hereditary; Hereditary Cancer Syndrome. Identifiers: Orphanet 140162, MedGen C0027672, MeSH D009386, MONDO:0015356.
Neurofibromatosis, type 1 (NF1). Also called: VON RECKLINGHAUSEN DISEASE; Peripheral type neurofibromatosis; Neurofibromatosis, type I; NEUROFIBROMATOSIS, TYPE I, SOMATIC. Identifiers: Orphanet 636, MedGen C0027831, MONDO:0018975, OMIM 162200. Disease mechanism: loss of function.

Submissions (3):

Labcorp Genetics (formerly Invitae), Labcorp
Classification: Pathogenic for Neurofibromatosis, type 1. Last evaluated: 2024-06-26. Review status: criteria provided, single submitter. Criteria: Invitae Variant Classification Sherloc (09022015). Collection method: clinical testing. Allele origin: germline.
Comment: This sequence change creates a premature translational stop signal (p.Gln2595*) in the NF1 gene. It is expected to result in an absent or disrupted protein product. Loss-of-function variants in NF1 are known to be pathogenic (PMID: 10712197, 23913538). This variant is not present in population databases (gnomAD no frequency). This premature translational stop signal has been observed in individual(s) with neurofibromatosis, type 1 (PMID: 12112660). ClinVar contains an entry for this variant (Variation ID: 928869). Algorithms developed to predict the effect of sequence changes on RNA splicing suggest that this variant may disrupt the consensus splice site. For these reasons, this variant has been classified as Pathogenic.

Ambry Genetics
Classification: Pathogenic for Cardiovascular phenotype; Hereditary cancer-predisposing syndrome. Last evaluated: 2023-04-19. Review status: criteria provided, single submitter. Criteria: Ambry Variant Classification Scheme 2023. Collection method: clinical testing. Allele origin: germline.
Comment: The p.Q2595* pathogenic mutation (also known as c.7783C>T), located in coding exon 52 of the NF1 gene, results from a C to T substitution at nucleotide position 7783. This changes the amino acid from a glutamine to a stop codon within coding exon 52. This alteration has been observed in at least one individual with a personal and/or family history that is consistent with NF1-related disease (Ambry internal data). This alteration was also identified amongst a cohort of 46 patients with a clinical neurofibromatosis type 1 diagnosis (Origone P et al. Hum Mutat, 2003 Aug;22:179-80). This variant is considered to be rare based on population cohorts in the Genome Aggregation Database (gnomAD). In addition to the clinical data presented in the literature, this alteration is expected to result in loss of function by premature protein truncation or nonsense-mediated mRNA decay. As such, this alteration is interpreted as a disease-causing mutation.

Women's Health and Genetics/Laboratory Corporation of America, LabCorp
Classification: Likely pathogenic for Neurofibromatosis, type 1. Last evaluated: 2019-09-02. Review status: criteria provided, single submitter. Criteria: LabCorp Variant Classification Summary - May 2015. Collection method: clinical testing. Allele origin: germline.
Comment: Variant summary: NF1 c.7783C>T (p.Gln2595X) results in a premature termination codon, predicted to cause a truncation of the encoded protein or absence of the protein due to nonsense mediated decay, which are commonly known mechanisms for disease. Truncations downstream of this position have been classified as pathogenic by our laboratory (eg. c.7996_7997delAG (p.Ser2666CysfsX5)). The variant was absent in 251024 control chromosomes (gnomAD). c.7783C>T has been reported in the literature in an individual affected with Neurofibromatosis Type 1 (Orignone_2002). These data do not allow any conclusion about variant significance. To our knowledge, no experimental evidence demonstrating an impact on protein function has been reported. No clinical diagnostic laboratories have submitted clinical-significance assessments for this variant to ClinVar after 2014. Based on the evidence outlined above, the variant was classified as likely pathogenic.

Literature cited by the submitters: PubMed 10712197 (cited by Labcorp Genetics (formerly Invitae), Labcorp); PubMed 23913538 (cited by Labcorp Genetics (formerly Invitae), Labcorp); PubMed 12112660 (cited by Labcorp Genetics (formerly Invitae), Labcorp and Women's Health and Genetics/Laboratory Corporation of America, LabCorp); PubMed 12872266 (cited by Women's Health and Genetics/Laboratory Corporation of America, LabCorp).

NM_001042492.3(NF1):c.7846C>T (p.Gln2616Ter)

Gene: NF1 (neurofibromin 1; plus strand). Cytogenetic location: 17q11.2.
Variant type: single nucleotide variant.
Coding change: c.7846C>T on transcript NM_001042492.3 (MANE Select); coding-DNA position 7846, C replaced by T.
Protein change: p.Gln2616Ter; replaces glutamine 2616 with a stop codon.
Molecular consequence: nonsense.
Genome position (GRCh38, 1-based): chr17:31,357,067, C>T. VCF-style: chr17-31357067-C-T. GRCh37 (hg19) VCF-style: chr17-29684085-C-T.
Other names: c.7783C>T, p.Gln2595Ter (NM_000267.4); short protein forms Q2595*, Q2616*.
Identifiers: ClinVar variation 928869 (VCV000928869.4), dbSNP rs1555536713, ClinGen allele CA399018656.
Genomic context (GRCh38, chr17:31,357,067, plus strand): 5'-GTTTCAGTGTCTGAATCAAATGTTCTCTTGGATGAAGAAGTACTTACTGATCCGAAGATC[C>T]AGGCGCTGCTTCTTACTGTTCTAGTAAGGATTTCCCCTTTTTGAGTCCCCCACCCTCAAA-3'